The following is an entry in ClinVar:

ClinVar aggregate classification (germline): Conflicting classifications of pathogenicity. Review status: criteria provided, conflicting classifications (1 of 4 stars). 3 submissions from 3 submitters: Likely pathogenic (1); Uncertain significance (2). Last evaluated 2025-02-06.

Conditions:
Cardiovascular phenotype. Identifiers: MedGen CN230736.
Hereditary cancer-predisposing syndrome. Also called: Hereditary Cancer Syndrome; Hereditary neoplastic syndrome; Neoplastic Syndromes, Hereditary; Tumor predisposition. Identifiers: Orphanet 140162, MedGen C0027672, MeSH D009386, MONDO:0015356.
Neurofibromatosis, type 1 (NF1). Also called: Neurofibromatosis, type I; VON RECKLINGHAUSEN DISEASE; Peripheral type neurofibromatosis; NEUROFIBROMATOSIS, TYPE I, SOMATIC. Identifiers: Orphanet 636, MedGen C0027831, MONDO:0018975, OMIM 162200. Disease mechanism: loss of function.

Submissions (3):

Ambry Genetics
Classification: Likely pathogenic for Cardiovascular phenotype; Hereditary cancer-predisposing syndrome. Last evaluated: 2025-02-06. Review status: criteria provided, single submitter. Criteria: Ambry Variant Classification Scheme 2023. Collection method: clinical testing. Allele origin: germline.
Comment: The p.A2368P variant (also known as c.7102G>C), located in coding exon 47 of the NF1 gene, results from a G to C substitution at nucleotide position 7102. The alanine at codon 2368 is replaced by proline, an amino acid with highly similar properties. This variant was reported in individual(s) with features consistent with neurofibromatosis type 1 (Ambry internal data). Based on internal structural analysis, the variant is moderately destabilizing to the local structure and more destabilizing than nearby (likely) pathogenic variant(s). This amino acid position is highly conserved in available vertebrate species. In addition, this alteration is predicted to be deleterious by in silico analysis. This missense alteration is located in a region that has a low rate of benign missense variation (Lek M et al. Nature. 2016 Aug 18;536(7616):285-91; DECIPHER: Database of Chromosomal Imbalance and Phenotype in Humans using Ensembl Resources. Firth H.V. et al. 2009. Am.J.Hum.Genet. 84, 524-533 (DOI)). This variant is considered to be rare based on population cohorts in the Genome Aggregation Database (gnomAD). Based on the majority of available evidence to date, this variant is likely to be pathogenic.

Athena Diagnostics
Classification: Uncertain significance. Last evaluated: 2024-09-12. Review status: criteria provided, single submitter. Criteria: Athena Diagnostics Criteria. Collection method: clinical testing. Allele origin: unknown.
Comment: Available data are insufficient to determine the clinical significance of the variant at this time. This variant has not been reported in large, multi-ethnic general populations. Polyphen and MutationTaster predict this amino acid change may be damaging to the protein.

Labcorp Genetics (formerly Invitae), Labcorp
Classification: Uncertain significance for Neurofibromatosis, type 1. Last evaluated: 2024-09-04. Review status: criteria provided, single submitter. Criteria: Invitae Variant Classification Sherloc (09022015). Collection method: clinical testing. Allele origin: germline.
Comment: This sequence change replaces alanine, which is neutral and non-polar, with proline, which is neutral and non-polar, at codon 2368 of the NF1 protein (p.Ala2368Pro). This variant is not present in population databases (gnomAD no frequency). This variant has not been reported in the literature in individuals affected with NF1-related conditions. Invitae Evidence Modeling of protein sequence and biophysical properties (such as structural, functional, and spatial information, amino acid conservation, physicochemical variation, residue mobility, and thermodynamic stability) indicates that this missense variant is expected to disrupt NF1 protein function with a positive predictive value of 95%. In summary, the available evidence is currently insufficient to determine the role of this variant in disease. Therefore, it has been classified as a Variant of Uncertain Significance.

NM_001042492.3(NF1):c.7165G>C (p.Ala2389Pro)

Gene: NF1 (neurofibromin 1; plus strand). Cytogenetic location: 17q11.2.
Variant type: single nucleotide variant.
Coding change: c.7165G>C on transcript NM_001042492.3 (MANE Select); coding-DNA position 7165, G replaced by C.
Protein change: p.Ala2389Pro; replaces alanine 2389 with proline.
Molecular consequence: missense variant.
Genome position (GRCh38, 1-based): chr17:31,343,111, G>C. VCF-style: chr17-31343111-G-C. GRCh37 (hg19) VCF-style: chr17-29670129-G-C.
Other names: c.7102G>C, p.Ala2368Pro (NM_000267.4); short protein forms A2368P, A2389P.
Identifiers: ClinVar variation 3571593 (VCV003571593.4).